The following is an entry in ClinVar:

NM_020822.3(KCNT1):c.1873A>G (p.Ile625Val)

Gene: KCNT1 (potassium sodium-activated channel subfamily T member 1; plus strand). Cytogenetic location: 9q34.3.
Variant type: single nucleotide variant.
Coding change: c.1873A>G on transcript NM_020822.3 (MANE Select); coding-DNA position 1873, A replaced by G.
Protein change: p.Ile625Val; replaces isoleucine 625 with valine.
Molecular consequence: missense variant.
Genome position (GRCh38, 1-based): chr9:135,770,960, A>G. VCF-style: chr9-135770960-A-G. GRCh37 (hg19) VCF-style: chr9-138662806-A-G.
Other names: c.1738A>G, p.Ile580Val (NM_001272003.2); c.1873A>G (NM_020822.2); short protein forms I625V, I580V.
Identifiers: ClinVar variation 2926607 (VCV002926607.4), dbSNP rs780921100, ClinGen allele CA201473427.
Genomic context (GRCh38, chr9:135,770,960, plus strand): 5'-AGCATCCTGCTGAACCCGGGGCCCCGGCACATCCTGGCCGCCTCTGACACCTGCTTCTAC[A>G]TCAACATCACCAAGGAGGAGAACTCGGCCTTCATCTTCAAGCAGGAGGAGAAGCGGAAGA-3'
Protein context (NP_065873.2, residues 615-635): ILAASDTCFY[Ile625Val]NITKEENSAF

ClinVar aggregate classification (germline): Uncertain significance. Review status: criteria provided, multiple submitters, no conflicts (2 of 4 stars). 2 submissions from 2 submitters: Uncertain significance (2). Last evaluated 2024-03-15.

Conditions:
Autosomal dominant nocturnal frontal lobe epilepsy 5. Also called: KCNT1-Related Epilepsy; CILIARY DYSKINESIA, PRIMARY, 28, WITH SITUS INVERSUS; CILIARY DYSKINESIA, PRIMARY, 28, WITHOUT SITUS INVERSUS; Epilepsy, nocturnal frontal lobe, 5. Identifiers: Orphanet 98784, MedGen C3554306, MONDO:0014002, OMIM 615005.
Developmental and epileptic encephalopathy, 14 (DEE14). Also called: Early infantile epileptic encephalopathy 14. Identifiers: Orphanet 293181, MedGen C3554195, MONDO:0013989, OMIM 614959.

Allele frequency attached by ClinVar (database versions not stated): gnomAD exomes 0.00002.
gnomAD v4.1: 25 of 1,613,906 alleles (0.0015%); highest among the groups gnomAD compares: Non-Finnish European, 0.0021%; no homozygotes.

Submissions (2):

GeneDx
Classification: Uncertain significance. Last evaluated: 2024-03-15. Review status: criteria provided, single submitter. Criteria: GeneDx Variant Classification Process June 2021. Collection method: clinical testing. Allele origin: germline. Affected: yes.
Comment: Not observed at significant frequency in large population cohorts (gnomAD); In silico analysis supports that this missense variant does not alter protein structure/function; Has not been previously published as pathogenic or benign to our knowledge

Labcorp Genetics (formerly Invitae), Labcorp
Classification: Uncertain significance for Autosomal dominant nocturnal frontal lobe epilepsy 5; Developmental and epileptic encephalopathy, 14. Last evaluated: 2023-08-07. Review status: criteria provided, single submitter. Criteria: Invitae Variant Classification Sherloc (09022015). Collection method: clinical testing. Allele origin: germline.
Comment: In summary, the available evidence is currently insufficient to determine the role of this variant in disease. Therefore, it has been classified as a Variant of Uncertain Significance. Advanced modeling of protein sequence and biophysical properties (such as structural, functional, and spatial information, amino acid conservation, physicochemical variation, residue mobility, and thermodynamic stability) has been performed at Invitae for this missense variant, however the output from this modeling did not meet the statistical confidence thresholds required to predict the impact of this variant on KCNT1 protein function. This variant has not been reported in the literature in individuals affected with KCNT1-related conditions. This variant is not present in population databases (gnomAD no frequency). This sequence change replaces isoleucine, which is neutral and non-polar, with valine, which is neutral and non-polar, at codon 625 of the KCNT1 protein (p.Ile625Val).